The following is an entry in ClinVar:

ClinVar aggregate classification (germline): Pathogenic (1 of 4 stars; one submission).

Submission:

Quest Diagnostics Nichols Institute San Juan Capistrano
Classification: Pathogenic. Last evaluated: 2025-01-24. Review status: criteria provided, single submitter. Criteria: ACMG/ClinGen CNV Guidelines, 2019. Collection method: clinical testing. Allele origin: unknown.
Comment: This deletion interval involves at least 61 protein-coding genes, including CAMTA1 (OMIM 611501). Haploinsufficiency of CAMTA1 specifically is associated with cerebellar dysfunction with variable cognitive and behavioral abnormalities (CCID:006783; OMIM 614756). Further, this deletion overlaps partially with the monosomy 1p36 syndromic region (ISCA-37434; Gajecka 2007, Jordan 2015, Shimada 2015, Seo 2016). Atypical 1p36 deletions have been reported (Jacquin 2023). Based on current medical literature and gene content, this copy number variant (CNV) is classified as pathogenic. References: Gajecka et al., Am J Med Genet C Semin Med Genet. 2007 Nov 15;145C(4):346-56. PMID: 17918734 Jacquin et al., Am J Med Genet A. 2023 Feb;191(2):445-458. PMID: 36369750 Jordan et al., Appl Clin Genet. 2015 Aug 27;8:189-200. PMID: 26345236 Shimada et al., Brain Dev. 2015 May;37(5):515-26. PMID: 25172301 Seo et al., Korean J Pediatr. 2016 Jan;59(1):16-23. PMID: 26893599

GRCh37/hg19 1p36.32-36.22(chr1:4995984-11364920)x1

Genes: ACOT7 (acyl-CoA thioesterase 7; minus strand), ANGPTL7 (angiopoietin like 7; plus strand), CA6 (carbonic anhydrase 6; plus strand), CAMTA1 (calmodulin binding transcription activator 1; plus strand), CASZ1 (castor zinc finger 1; minus strand) and 58 more. Cytogenetic location: 1p36.32-36.22.
Variant type: copy number loss.
Change: copy number 1 (one copy instead of two) of chr1:4,995,984-11,364,920 (6.37 Mb, GRCh37 coordinates, 1-based), cytogenetic band 1p36.32-36.22.
Identifiers: ClinVar variation 4682502 (VCV004682502.1).